The following is an entry in ClinVar:

NM_007294.4(BRCA1):c.4914A>T (p.Glu1638Asp)

Gene: BRCA1 (BRCA1 DNA repair associated; minus strand). Cytogenetic location: 17q21.31.
Variant type: single nucleotide variant.
Coding change: c.4914A>T on transcript NM_007294.4 (MANE Select); coding-DNA position 4914, A replaced by T.
Protein change: p.Glu1638Asp; replaces glutamic acid 1638 with aspartic acid.
Molecular consequence: missense variant. On other transcripts: non-coding transcript variant (1).
Genome position (GRCh38, 1-based): chr17:43,071,000, T>A on the plus strand (A>T on the coding strand, the complement: BRCA1 is on the minus strand). VCF-style: chr17-43071000-T-A. GRCh37 (hg19) VCF-style: chr17-41223017-T-A.
Other names: c.4701A>T, p.Glu1567Asp (NM_001407571.1, NM_001407894.1, NM_001407895.1 and 12 more transcripts); c.4980A>T, p.Glu1660Asp (NM_001407581.1, NM_001407582.1); c.4977A>T, p.Glu1659Asp (NM_001407583.1, NM_001407585.1, NM_001407587.1 and 1 more transcripts); c.4974A>T, p.Glu1658Asp (NM_001407590.1, NM_001407591.1); c.4914A>T, p.Glu1638Asp (NM_001407593.1, NM_001407594.1, NM_001407596.1 and 8 more transcripts); c.4911A>T, p.Glu1637Asp (NM_001407610.1, NM_001407621.1, NM_001407622.1 and 17 more transcripts); c.4908A>T, p.Glu1636Asp (NM_001407627.1, NM_001407628.1, NM_001407629.1 and 14 more transcripts); c.4905A>T, p.Glu1635Asp (NM_001407644.1, NM_001407645.1); and 70 more; short protein forms E534D, E1591D, E1638D, E1659D, E1341D, E1566D, E1569D, E1595D.
Identifiers: ClinVar variation 868845 (VCV000868845.3), dbSNP rs786201216, ClinGen allele CA10591694.

Conditions:
Breast-ovarian cancer, familial, susceptibility to, 1 (BROVCA1). Also called: BRCA1 Hereditary Breast and Ovarian Cancer; OVARIAN CANCER, SUSCEPTIBILITY TO. Identifiers: Orphanet 145, MedGen C2676676, MONDO:0011450, OMIM 604370. Disease mechanism: loss of function.

Submission:

Brotman Baty Institute, University of Washington
No classification provided (evidence only). Condition: Breast-ovarian cancer, familial 1. Review status: no classification provided. Collection method: in vitro. Allele origin: not applicable. Functional consequence: functionally_normal.
ClinVar note: "not provided" was previously submitted as the classification for the variant. However, the classification appeared to be based only on an observation of functional data so it was converted to no classification on 2025-07-30.